The following is an entry in ClinVar:

NM_182641.4(BPTF):c.3074_3075del (p.Glu1025fs)

Gene: BPTF (bromodomain PHD finger transcription factor; plus strand). Cytogenetic location: 17q24.2.
Variant type: Microsatellite.
Coding change: c.3074_3075del on transcript NM_182641.4 (MANE Select); coding-DNA positions 3074 to 3075, 2 bases deleted (AG; older notation c.3074_3075delAG).
Protein change: p.Glu1025fs; shifts the reading frame from glutamic acid 1025.
Molecular consequence: frameshift variant.
Genome position (GRCh38, 1-based): chr17:67,910,958-67,910,959, AG deleted; deleting any 2 consecutive bases within chr17:67,910,956-67,910,959 gives the same sequence; the c. name uses the placement nearest the transcript's 3' end. VCF-style (leftmost placement, unchanged base first): chr17-67910955-CAG-C. GRCh37 (hg19) VCF-style: chr17-65907071-CAG-C.
Other names: c.3452_3453del, p.Glu1151fs (NM_004459.7); short protein forms E1025fs, E1151fs.
Identifiers: ClinVar variation 3342506 (VCV003342506.2).
Genomic context (GRCh38, chr17:67,910,955, plus strand): 5'-ATTCTGACAGTGATAAACCCTGCAAGGAAGAACCAATGGAAGTAGACGATGACATGAAAA[CAG>C]AGTCACATGTAAATTGTCAGGAGAGTTCTCAAGTAGATGTGGTCAATGTTAGTGAGGGTT-3'

ClinVar aggregate classification (germline): Pathogenic (1 of 4 stars; one submission).

Submission:

GeneDx
Classification: Pathogenic. Last evaluated: 2025-06-09. Review status: criteria provided, single submitter. Criteria: GeneDx Variant Classification Process June 2021. Collection method: clinical testing. Allele origin: germline.
Comment: Frameshift variant predicted to result in protein truncation or nonsense mediated decay in a gene for which loss of function is a known mechanism of disease; Not observed at significant frequency in large population cohorts (gnomAD); Has not been previously published as pathogenic or benign to our knowledge